The following is an entry in ClinVar:

ClinVar aggregate classification (germline): Likely benign. Review status: criteria provided, multiple submitters, no conflicts (2 of 4 stars). 2 submissions from 2 submitters: Likely benign (2). Last evaluated 2025-07-18.

Conditions:
Neuropathy, hereditary sensory and autonomic, type 2A (HSAN2A). Also called: MORVAN DISEASE; HSAN IIA; WNK1-Related HSAN2 (HSAN2A); NEUROPATHY, CONGENITAL SENSORY; NEUROPATHY, HEREDITARY SENSORY RADICULAR, AUTOSOMAL RECESSIVE; NEUROPATHY, HEREDITARY SENSORY, TYPE IIA. Identifiers: Orphanet 970, MedGen C2752089, MONDO:0024309, OMIM 201300.
Generalized epilepsy with febrile seizures plus, type 7 (GEFSP7). Also called: GEFS+, TYPE 7. Identifiers: Orphanet 36387, MedGen C2751778, MONDO:0013470, OMIM 613863.

gnomAD v4.1: 4 of 1,596,478 alleles (0.00025%); highest among the groups gnomAD compares: Non-Finnish European, 0.00034%; no homozygotes.

Submissions (2):

Mayo Clinic Laboratories, Mayo Clinic
Classification: Likely benign. Last evaluated: 2025-07-18. Review status: criteria provided, single submitter. Criteria: ACMG Guidelines, 2015. Collection method: clinical testing. Allele origin: germline. Observed: 1 variant allele.
Comment: BP4, BP7

Labcorp Genetics (formerly Invitae), Labcorp
Classification: Likely benign for Neuropathy, hereditary sensory and autonomic, type 2A; Generalized epilepsy with febrile seizures plus, type 7. Last evaluated: 2024-09-03. Review status: criteria provided, single submitter. Criteria: Invitae Variant Classification Sherloc (09022015). Collection method: clinical testing. Allele origin: germline.

NM_001365536.1(SCN9A):c.966-8G>T

Genes: SCN1A-AS1 (SCN1A and SCN9A antisense RNA 1; plus strand), SCN9A (sodium voltage-gated channel alpha subunit 9; minus strand). Cytogenetic location: 2q24.3.
Variant type: single nucleotide variant.
Coding change: c.966-8G>T on transcript NM_001365536.1 (MANE Select); 8 bases into the intron before coding-DNA position 966, G replaced by T.
Molecular consequence: intron variant.
Genome position (GRCh38, 1-based): chr2:166,293,380, C>A on the plus strand (G>T on the coding strand, the complement: SCN9A is on the minus strand). VCF-style: chr2-166293380-C-A. GRCh37 (hg19) VCF-style: chr2-167149890-C-A.
Other names: p.?; c.966-8G>T (NM_002977.3, NM_002977.4).
Identifiers: ClinVar variation 1133442 (VCV001133442.10), dbSNP rs199942413, ClinGen allele CA59806984.
Genomic context (GRCh38, chr2:166,293,380, plus strand): 5'-CATAATCAGGGTTTCTGCCAATTTTCACACAGGTGTACCCCTCTGGACACTGACTACACA[C>A]GAGAAAGAACATTATAGGTGAGAGTGTCTTCAGGACACAAGCTAAATAGCCTTACTGAAA-3'